The following is an entry in ClinVar:

NM_014846.4(WASHC5):c.636C>T (p.Phe212=)

Gene: WASHC5 (WASH complex subunit 5; minus strand). Cytogenetic location: 8q24.13.
Variant type: single nucleotide variant.
Coding change: c.636C>T on transcript NM_014846.4 (MANE Select); coding-DNA position 636, C replaced by T.
Protein change: p.Phe212=; no amino-acid change (phenylalanine 212 retained).
Molecular consequence: synonymous variant.
Genome position (GRCh38, 1-based): chr8:125,078,813, G>A on the plus strand (C>T on the coding strand, the complement: WASHC5 is on the minus strand). VCF-style: chr8-125078813-G-A. GRCh37 (hg19) VCF-style: chr8-126091055-G-A.
Other names: c.192C>T, p.Phe64= (NM_001330609.2).
Identifiers: ClinVar variation 361731 (VCV000361731.5), dbSNP rs190007736, ClinGen allele CA4874060.
Genomic context (GRCh38, chr8:125,078,813, plus strand): 5'-ATCAGATCTCAGTCGACCAATGACCATACTGATGAAGGATTCGTTGATAGGCACTCTCTG[G>A]AAATAGCTCTCGGGATAGTTGGATGGTCTTTTGGCACCTGGTTGGCTAGAATAACCTGTA-3'
Protein context (NP_055661.3, residues 202-222): KRPSNYPESY[Phe212=]QRVPINESFI

ClinVar aggregate classification (germline): Likely benign (1 of 4 stars; one submission).

Conditions:
Hereditary spastic paraplegia 8 (SPG8). Also called: SPASTIC PARAPLEGIA 8, AUTOSOMAL DOMINANT. Identifiers: Orphanet 100989, MedGen C1863704, MONDO:0011339, OMIM 603563.

Allele frequency attached by ClinVar (database versions not stated): gnomAD 0.00001 and 0.00011; TOPMed 0.00002; gnomAD exomes 0.00003 and 0.00017; ExAC 0.00006; 1000 Genomes Project 30x 0.00047; 1000 Genomes Project 0.00060.
gnomAD v4.1: 255 of 1,613,942 alleles (0.016%); highest among the groups gnomAD compares: East Asian, 0.56%; 2 homozygotes.

Submission:

Illumina Laboratory Services, Illumina
Classification: Likely benign for Hereditary spastic paraplegia 8. Last evaluated: 2018-01-13. Review status: criteria provided, single submitter. Criteria: ICSL Variant Classification Criteria 13 December 2019. Collection method: clinical testing. Allele origin: germline.
Comment: This variant was observed in the ICSL laboratory as part of a predisposition screen in an ostensibly healthy population. It had not been previously curated by ICSL or reported in the Human Gene Mutation Database (HGMD: prior to June 1st, 2018), and was therefore a candidate for classification through an automated scoring system. Utilizing variant allele frequency, disease prevalence and penetrance estimates, and inheritance mode, an automated score was calculated to assess if this variant is too frequent to cause the disease. Based on the score and internal cut-off values, a variant classified as likely benign is not then subjected to further curation. The score for this variant resulted in a classification of likely benign for this disease.